The following is an entry in ClinVar:

ClinVar aggregate classification (germline): Uncertain significance (1 of 4 stars; one submission).

Conditions:
Epidermolysis bullosa simplex 5C, with pyloric atresia (EBS5C). Also called: PLEC-Related Epidermolysis Bullosa with Pyloric Atresia; Epidermolysis bullosa simplex with pyloric atresia; PLEC1-Related Epidermolysis Bullosa with Pyloric Atresia. Identifiers: Orphanet 158684, MedGen C2677349, MONDO:0012807, OMIM 612138.
Epidermolysis bullosa simplex 5B, with muscular dystrophy (EBS5B). Also called: EPIDERMOLYSIS BULLOSA SIMPLEX AND LIMB-GIRDLE MUSCULAR DYSTROPHY; Epidermolysis bullosa simplex with muscular dystrophy. Identifiers: Orphanet 257, MedGen C2931072, MONDO:0009181, OMIM 226670.
Epidermolysis bullosa simplex, Ogna type (EBS5A). Also called: Pidermolysis bullosa simplex 5A, Ogna type; EPIDERMOLYSIS BULLOSA SIMPLEX 5A, OGNA TYPE. Identifiers: Orphanet 79401, MedGen C0432317, MONDO:0007555, OMIM 131950.
Autosomal recessive limb-girdle muscular dystrophy type 2Q (LGMDR17). Also called: MUSCULAR DYSTROPHY, LIMB-GIRDLE, AUTOSOMAL RECESSIVE 17. Identifiers: Orphanet 254361, MedGen C3150989, MONDO:0013390, OMIM 613723.
Epidermolysis bullosa simplex with nail dystrophy (EBS5D). Identifiers: MedGen C4225309, MONDO:0014661, OMIM 616487.

Submission:

Labcorp Genetics (formerly Invitae), Labcorp
Classification: Uncertain significance for Autosomal recessive limb-girdle muscular dystrophy type 2Q; Epidermolysis bullosa simplex, Ogna type; Epidermolysis bullosa simplex with nail dystrophy; Epidermolysis bullosa simplex 5C, with pyloric atresia; Epidermolysis bullosa simplex 5B, with muscular dystrophy. Last evaluated: 2022-03-18. Review status: criteria provided, single submitter. Criteria: Invitae Variant Classification Sherloc (09022015). Collection method: clinical testing. Allele origin: germline.
Comment: In summary, the available evidence is currently insufficient to determine the role of this variant in disease. Therefore, it has been classified as a Variant of Uncertain Significance. Algorithms developed to predict the effect of missense changes on protein structure and function (SIFT, PolyPhen-2, Align-GVGD) all suggest that this variant is likely to be disruptive. This variant has not been reported in the literature in individuals affected with PLEC-related conditions. This variant is not present in population databases (gnomAD no frequency). This sequence change replaces threonine, which is neutral and polar, with isoleucine, which is neutral and non-polar, at codon 3796 of the PLEC protein (p.Thr3796Ile).

NM_201384.3(PLEC):c.11306C>T (p.Thr3769Ile)

Gene: PLEC (plectin; minus strand). Cytogenetic location: 8q24.3.
Variant type: single nucleotide variant.
Coding change: c.11306C>T on transcript NM_201384.3 (MANE Select); coding-DNA position 11306, C replaced by T.
Protein change: p.Thr3769Ile; replaces threonine 3769 with isoleucine.
Molecular consequence: missense variant.
Genome position (GRCh38, 1-based): chr8:143,918,515, G>A on the plus strand (C>T on the coding strand, the complement: PLEC is on the minus strand). VCF-style: chr8-143918515-G-A. GRCh37 (hg19) VCF-style: chr8-144992683-G-A.
Other names: c.11387C>T, p.Thr3796Ile (NM_000445.5); c.11264C>T, p.Thr3755Ile (NM_201378.4); c.11240C>T, p.Thr3747Ile (NM_201379.3); c.11717C>T, p.Thr3906Ile (NM_201380.4); c.11210C>T, p.Thr3737Ile (NM_201381.3); c.11306C>T, p.Thr3769Ile (NM_201382.4); c.11318C>T, p.Thr3773Ile (NM_201383.3); short protein forms T3906I, T3737I, T3747I, T3755I, T3769I, T3773I, T3796I.
Identifiers: ClinVar variation 1368931 (VCV001368931.8), dbSNP rs1184964710, ClinGen allele CA372491489.